The following is an entry in ClinVar:

ClinVar aggregate classification (germline): Uncertain significance. Review status: criteria provided, multiple submitters, no conflicts (2 of 4 stars). 2 submissions from 2 submitters: Uncertain significance (2). Last evaluated 2024-11-15.

Conditions:
Developmental and epileptic encephalopathy, 25 (DEE25). Also called: Epileptic encephalopathy, early infantile, 25; Developmental and epileptic encephalopathy 25, with amelogenesis imperfecta; Epileptic encephalopathy, early infantile, 25, with amelogenesis imperfecta. Identifiers: Orphanet 442835, MedGen C4014621, MONDO:0014392, OMIM 615905.

Allele frequency attached by ClinVar (database versions not stated): TOPMed 0.00001.
gnomAD v4.1: 5 of 1,614,222 alleles (0.00031%); highest among the groups gnomAD compares: South Asian, 0.0011%; no homozygotes.

Submissions (2):

Department of Neonatology, Wuhan Women and Children Medical Care Center, Tongji Medical College, Huazhong University of Science and Technology
Classification: Uncertain significance for Developmental and epileptic encephalopathy, 25. Last evaluated: 2024-11-15. Review status: criteria provided, single submitter. Criteria: ACMG Guidelines, 2015. Collection method: research. Allele origin: biparental. Inheritance: Autosomal recessive inheritance. Affected: yes. Observed: 1 compound heterozygote.
Comment: The c.634G>A(p.Ala215Thr) heterozygous variant in the SLC13A5 gene is classified as a variant of uncertain significance (VUS) according to the ACMG guidelines.Currently, this variant has not been reported in the literature. However, at the same location, two patients with epilepsy have been identified with a homozygous c.644C>T(p.Ala215Val) variant, which has also been classified as a VUS. The clinical presentation of these patients included neonatal-onset epilepsy with generalized tonic-clonic seizures.(Qian-Zhou Yang,Child Neurol Open 2020 Jun). Both variants are linked to autosomal recessive inheritance.

Labcorp Genetics (formerly Invitae), Labcorp
Classification: Uncertain significance for Developmental and epileptic encephalopathy, 25. Last evaluated: 2020-12-02. Review status: criteria provided, single submitter. Criteria: Invitae Variant Classification Sherloc (09022015). Collection method: clinical testing. Allele origin: germline.
Comment: This sequence change replaces alanine with threonine at codon 215 of the SLC13A5 protein (p.Ala215Thr). The alanine residue is highly conserved and there is a small physicochemical difference between alanine and threonine. This variant is not present in population databases (ExAC no frequency). This variant has not been reported in the literature in individuals with SLC13A5-related disease. Algorithms developed to predict the effect of missense changes on protein structure and function are either unavailable or do not agree on the potential impact of this missense change (SIFT: "Deleterious"; PolyPhen-2: "Possibly Damaging"; Align-GVGD: "Class C0"). In summary, the available evidence is currently insufficient to determine the role of this variant in disease. Therefore, it has been classified as a Variant of Uncertain Significance.

Literature cited by the submitters: PubMed 32551328 (cited by Department of Neonatology, Wuhan Women and Children Medical Care Center, Tongji Medical College, Huazhong University of Science and Technology).

NM_177550.5(SLC13A5):c.643G>A (p.Ala215Thr)

Gene: SLC13A5 (solute carrier family 13 member 5; minus strand). Cytogenetic location: 17p13.1.
Variant type: single nucleotide variant.
Coding change: c.643G>A on transcript NM_177550.5 (MANE Select); coding-DNA position 643, G replaced by A.
Protein change: p.Ala215Thr; replaces alanine 215 with threonine.
Molecular consequence: missense variant.
Genome position (GRCh38, 1-based): chr17:6,703,043, C>T on the plus strand (G>A on the coding strand, the complement: SLC13A5 is on the minus strand). VCF-style: chr17-6703043-C-T. GRCh37 (hg19) VCF-style: chr17-6606362-C-T.
Other names: c.643G>A, p.Ala215Thr (NM_001143838.3); c.592G>A, p.Ala198Thr (NM_001284509.2); c.514G>A, p.Ala172Thr (NM_001284510.2); short protein forms A198T, A215T, A172T.
Identifiers: ClinVar variation 640263 (VCV000640263.8), dbSNP rs1271011718, ClinGen allele CA397749029.